The following is an entry in ClinVar:

ClinVar aggregate classification (germline): Uncertain significance (1 of 4 stars; one submission).

Allele frequency attached by ClinVar (database versions not stated): gnomAD exomes 0.00001.
gnomAD v4.1: 9 of 1,611,590 alleles (0.00056%); highest among the groups gnomAD compares: Non-Finnish European, 0.00076%; no homozygotes.

Submission:

Labcorp Genetics (formerly Invitae), Labcorp
Classification: Uncertain significance. Last evaluated: 2022-09-27. Review status: criteria provided, single submitter. Criteria: Invitae Variant Classification Sherloc (09022015). Collection method: clinical testing. Allele origin: germline.
Comment: In summary, the available evidence is currently insufficient to determine the role of this variant in disease. Therefore, it has been classified as a Variant of Uncertain Significance. Algorithms developed to predict the effect of missense changes on protein structure and function are either unavailable or do not agree on the potential impact of this missense change (SIFT: "Tolerated"; PolyPhen-2: "Probably Damaging"; Align-GVGD: "Class C0"). This variant has not been reported in the literature in individuals affected with ARCN1-related conditions. This variant is present in population databases (no rsID available, gnomAD 0.0009%). This sequence change replaces histidine, which is basic and polar, with tyrosine, which is neutral and polar, at codon 275 of the ARCN1 protein (p.His275Tyr).

NM_001655.5(ARCN1):c.823C>T (p.His275Tyr)

Gene: ARCN1 (archain 1 coat protein complex I subunit delta; plus strand). Cytogenetic location: 11q23.3.
Variant type: single nucleotide variant.
Coding change: c.823C>T on transcript NM_001655.5 (MANE Select); coding-DNA position 823, C replaced by T.
Protein change: p.His275Tyr; replaces histidine 275 with tyrosine.
Molecular consequence: missense variant.
Genome position (GRCh38, 1-based): chr11:118,590,345, C>T. VCF-style: chr11-118590345-C-T. GRCh37 (hg19) VCF-style: chr11-118461060-C-T.
Other names: c.559C>T, p.His187Tyr (NM_001142281.2); short protein forms H187Y, H275Y.
Identifiers: ClinVar variation 2178202 (VCV002178202.4), dbSNP rs1555076082, ClinGen allele CA382810619.